The following is an entry in ClinVar:

NM_004656.4(BAP1):c.332C>T (p.Thr111Ile)

Gene: BAP1 (BRCA1 associated deubiquitinase 1; minus strand). Cytogenetic location: 3p21.1.
Variant type: single nucleotide variant.
Coding change: c.332C>T on transcript NM_004656.4 (MANE Select); coding-DNA position 332, C replaced by T.
Protein change: p.Thr111Ile; replaces threonine 111 with isoleucine.
Molecular consequence: missense variant.
Genome position (GRCh38, 1-based): chr3:52,408,001, G>A on the plus strand (C>T on the coding strand, the complement: BAP1 is on the minus strand). VCF-style: chr3-52408001-G-A. GRCh37 (hg19) VCF-style: chr3-52442017-G-A.
Other names: short protein forms T111I.
Identifiers: ClinVar variation 539917 (VCV000539917.13), dbSNP rs527433244, ClinGen allele CA2437125.

ClinVar aggregate classification (germline): Conflicting classifications of pathogenicity. Review status: criteria provided, conflicting classifications (1 of 4 stars). 3 submissions from 3 submitters: Uncertain significance (2); Likely benign (1). Last evaluated 2026-02-03.

Conditions:
Hereditary cancer-predisposing syndrome. Also called: Neoplastic Syndromes, Hereditary; Hereditary Cancer Syndrome; Hereditary neoplastic syndrome; Tumor predisposition. Identifiers: Orphanet 140162, MedGen C0027672, MeSH D009386, MONDO:0015356.
BAP1-related tumor predisposition syndrome (TPDS1). Also called: COMMON Syndrome; TUMOR PREDISPOSITION SYNDROME 1; BAP1 tumor predisposition syndrome; Tumor susceptibility linked to germline BAP1 mutations. Identifiers: Orphanet 289539, MedGen C3280492, MONDO:0013692, OMIM 614327.

Allele frequency attached by ClinVar (database versions not stated): gnomAD exomes below 0.00001; ExAC 0.00001; gnomAD 0.00001 and 0.00002; TOPMed 0.00002; 1000 Genomes Project 0.00020; 1000 Genomes Project 30x 0.00031.

Submissions (3):

Labcorp Genetics (formerly Invitae), Labcorp
Classification: Uncertain significance for BAP1-related tumor predisposition syndrome. Last evaluated: 2026-02-03. Review status: criteria provided, single submitter. Criteria: Invitae Variant Classification Sherloc (09022015). Collection method: clinical testing. Allele origin: germline.
Comment: This sequence change replaces threonine, which is neutral and polar, with isoleucine, which is neutral and non-polar, at codon 111 of the BAP1 protein (p.Thr111Ile). This variant is present in population databases (rs527433244, gnomAD 0.02%). This variant has not been reported in the literature in individuals affected with BAP1-related conditions. ClinVar contains an entry for this variant (Variation ID: 539917). Invitae Evidence Modeling of protein sequence and biophysical properties (such as structural, functional, and spatial information, amino acid conservation, physicochemical variation, residue mobility, and thermodynamic stability) indicates that this missense variant is expected to disrupt BAP1 protein function with a positive predictive value of 80%. In summary, the available evidence is currently insufficient to determine the role of this variant in disease. Therefore, it has been classified as a Variant of Uncertain Significance.

Ambry Genetics
Classification: Likely benign for Hereditary cancer-predisposing syndrome. Last evaluated: 2023-10-06. Review status: criteria provided, single submitter. Criteria: Ambry Variant Classification Scheme 2023. Collection method: clinical testing. Allele origin: germline.

Baylor Genetics
Classification: Uncertain significance for BAP1-related tumor predisposition syndrome. Last evaluated: 2023-08-04. Review status: criteria provided, single submitter. Criteria: ACMG Guidelines, 2015. Collection method: clinical testing. Allele origin: unknown.